The following is an entry in ClinVar:

ClinVar aggregate classification (germline): Likely benign (1 of 4 stars; one submission).

Conditions:
Cardiomyopathy (CMYO). Also called: Cardiomyopathies. Identifiers: Orphanet 167848, MedGen C0878544, MONDO:0004994, HP:0001638. Inheritance: Various modes of inheritance.

Allele frequency attached by ClinVar (database versions not stated): TOPMed 0.00001.

Submission:

All of Us Research Program, National Institutes of Health
Classification: Likely benign for Cardiomyopathy. Last evaluated: 2023-03-09. Review status: criteria provided, single submitter. Criteria: ACMG Guidelines, 2015. Collection method: clinical testing. Allele origin: germline. Inheritance: Autosomal dominant inheritance. Observed: 1 variant allele, 1 heterozygote.
Comment: This study involves interpretation of variants in research participants for the purpose of population health screening. Participant phenotype was not available at the time of variant classification. Additional details can be found in publication PMID: 35346344, PMCID: PMC8962531

NM_000257.4(MYH7):c.5469G>A (p.Glu1823=)

Gene: MYH7 (myosin heavy chain 7; minus strand). Cytogenetic location: 14q11.2.
Variant type: single nucleotide variant.
Coding change: c.5469G>A on transcript NM_000257.4 (MANE Select); coding-DNA position 5469, G replaced by A.
Protein change: p.Glu1823=; no amino-acid change (glutamic acid 1823 retained).
Molecular consequence: synonymous variant.
Genome position (GRCh38, 1-based): chr14:23,415,085, C>T on the plus strand (G>A on the coding strand, the complement: MYH7 is on the minus strand). VCF-style: chr14-23415085-C-T. GRCh37 (hg19) VCF-style: chr14-23884294-C-T.
Other names: c.5469G>A, p.Glu1823= (NM_001407004.1).
Identifiers: ClinVar variation 3069885 (VCV003069885.1), dbSNP rs1327209075, ClinGen allele CA485765942.
Genomic context (GRCh38, chr14:23,415,085, plus strand): 5'-GCTCTTCCTCATGCCCTTCACCGACTCTGCGTTGCGCTTCTGCTCGGCCTCCAGCTCATT[C>T]TCCAGCTCCCGCACCCGCGCTTCCAGCTTCTGCAGCTGCTTCTTGCCGCCCTTGAGGGCG-3'
Protein context (NP_000248.2, residues 1813-1833): QKLEARVREL[Glu1823=]NELEAEQKRN